The following is an entry in ClinVar:

ClinVar aggregate classification (germline): Benign (1 of 4 stars; one submission).

Conditions:
Lynch syndrome 5 (LYNCH5). Also called: Colorectal cancer, hereditary nonpolyposis, type 5; Hereditary non-polyposis colorectal cancer, type 5. Identifiers: Orphanet 144, MedGen C1833477, MONDO:0013710, OMIM 614350. Disease mechanism: loss of function.

Submission:

Myriad Genetics, Inc.
Classification: Benign for Lynch syndrome 5. Last evaluated: 2024-12-20. Review status: criteria provided, single submitter. Criteria: Myriad Autosomal Dominant, Autosomal Recessive and X-Linked Classification Criteria (2023). Collection method: clinical testing. Allele origin: unknown.
Comment: This variant is considered benign. This variant is a silent/synonymous amino acid change and it is not expected to impact splicing.

NM_000179.3(MSH6):c.898C>A (p.Arg300=)

Gene: MSH6 (mutS homolog 6; plus strand). Cytogenetic location: 2p16.3.
Variant type: single nucleotide variant.
Coding change: c.898C>A on transcript NM_000179.3 (MANE Select); coding-DNA position 898, C replaced by A.
Protein change: p.Arg300=; no amino-acid change (arginine 300 retained).
Molecular consequence: synonymous variant. On other transcripts: 5 prime UTR variant (9), non-coding transcript variant (4), intron variant (1).
Genome position (GRCh38, 1-based): chr2:47,798,881, C>A. VCF-style: chr2-47798881-C-A. GRCh37 (hg19) VCF-style: chr2-48026020-C-A.
Other names: c.508C>A, p.Arg170= (NM_001281492.2); c.-9C>A (NM_001281493.2, NM_001281494.2, NM_001406811.1 and 6 more transcripts); c.994C>A, p.Arg332= (NM_001406795.1, NM_001406802.1); c.898C>A, p.Arg300= (NM_001406796.1, NM_001406798.1, NM_001406800.1 and 4 more transcripts); c.601C>A, p.Arg201= (NM_001406797.1, NM_001406801.1, NM_001406805.1 and 10 more transcripts); c.373C>A, p.Arg125= (NM_001406799.1, NM_001406806.1, NM_001406807.1); c.820C>A, p.Arg274= (NM_001406804.1); c.904C>A, p.Arg302= (NM_001406813.1); and 2 more.
Identifiers: ClinVar variation 3903741 (VCV003903741.1).